The following is an entry in ClinVar:

ClinVar aggregate classification (germline): Uncertain significance (1 of 4 stars; one submission).

Allele frequency attached by ClinVar (database versions not stated): gnomAD 0.00001; ESP Exome Variant Server 0.00008.

Submission:

Labcorp Genetics (formerly Invitae), Labcorp
Classification: Uncertain significance. Last evaluated: 2025-01-12. Review status: criteria provided, single submitter. Criteria: Invitae Variant Classification Sherloc (09022015). Collection method: clinical testing. Allele origin: germline.
Comment: This sequence change affects codon 653 of the FGFR3 mRNA. It is a 'silent' change, meaning that it does not change the encoded amino acid sequence of the FGFR3 protein. It affects a nucleotide within the consensus splice site. This variant is present in population databases (rs150609697, gnomAD 0.006%). This variant has not been reported in the literature in individuals affected with FGFR3-related conditions. ClinVar contains an entry for this variant (Variation ID: 2068953). Algorithms developed to predict the effect of sequence changes on RNA splicing suggest that this variant is not likely to affect RNA splicing. In summary, the available evidence is currently insufficient to determine the role of this variant in disease. Therefore, it has been classified as a Variant of Uncertain Significance.

NM_000142.5(FGFR3):c.1959C>T (p.Asn653=)

Gene: FGFR3 (fibroblast growth factor receptor 3; plus strand). Cytogenetic location: 4p16.3.
Variant type: single nucleotide variant.
Coding change: c.1959C>T on transcript NM_000142.5 (MANE Select); coding-DNA position 1959, C replaced by T.
Protein change: p.Asn653=; no amino-acid change (asparagine 653 retained).
Molecular consequence: synonymous variant. On other transcripts: non-coding transcript variant (1).
Genome position (GRCh38, 1-based): chr4:1,806,173, C>T. VCF-style: chr4-1806173-C-T. GRCh37 (hg19) VCF-style: chr4-1807900-C-T.
Other names: c.1965C>T, p.Asn655= (NM_001163213.2); c.1962C>T, p.Asn654= (NM_001354809.2, NM_001354810.2); c.1623C>T, p.Asn541= (NM_022965.4).
Identifiers: ClinVar variation 2068953 (VCV002068953.4), dbSNP rs150609697, ClinGen allele CA2810634.